The following is an entry in ClinVar:

NM_000384.3(APOB):c.819-10T>G

Gene: APOB (apolipoprotein B; minus strand). Cytogenetic location: 2p24.1.
Variant type: single nucleotide variant.
Coding change: c.819-10T>G on transcript NM_000384.3 (MANE Select); 10 bases into the intron before coding-DNA position 819, T replaced by G.
Molecular consequence: intron variant.
Genome position (GRCh38, 1-based): chr2:21,034,911, A>C on the plus strand (T>G on the coding strand, the complement: APOB is on the minus strand). VCF-style: chr2-21034911-A-C. GRCh37 (hg19) VCF-style: chr2-21257783-A-C.
Identifiers: ClinVar variation 845542 (VCV000845542.12), dbSNP rs749762235, ClinGen allele CA065307.

ClinVar aggregate classification (germline): Uncertain significance. Review status: criteria provided, single submitter (1 of 4 stars). 2 submissions from 2 submitters: Uncertain significance (1). 1 of the submissions does not count toward it. Last evaluated 2024-10-23.

Conditions:
Hypercholesterolemia, autosomal dominant, type B (FHCL2). Also called: Hyperlipoproteinemia Type IIb; Familial hypercholesterolemia 2; APOB-Related Familial Hypercholesterolemia, Autosomal Dominant; Familial Hypercholesterolemia Type B; APOLIPOPROTEIN B-100, FAMILIAL DEFECTIVE; APOLIPOPROTEIN B-100, FAMILIAL LIGAND-DEFECTIVE. Identifiers: MedGen C1704417, MONDO:0007751, OMIM 144010.
Familial hypobetalipoproteinemia 1. Also called: Hypobetalipoproteinemia, normotriglyceridemic; Acanthocytosis with hypobetalipoproteinemia; APOB-Related Familial Hypobetalipoproteinemia. Identifiers: MedGen C4551990, MONDO:0014252, OMIM 615558.
APOB-related disorder. Also called: APOB-related disorders; APOB-related condition.

Allele frequency attached by ClinVar (database versions not stated): gnomAD exomes below 0.00001; TOPMed below 0.00001; ExAC 0.00001; gnomAD 0.00001.
gnomAD v4.1: 4 of 1,394,836 alleles (0.00029%); highest among the groups gnomAD compares: Non-Finnish European, 0.00031%; no homozygotes.

Submissions (2):

Labcorp Genetics (formerly Invitae), Labcorp
Classification: Uncertain significance for Familial hypobetalipoproteinemia 1; Hypercholesterolemia, autosomal dominant, type B. Last evaluated: 2024-10-23. Review status: criteria provided, single submitter. Criteria: Invitae Variant Classification Sherloc (09022015). Collection method: clinical testing. Allele origin: germline.
Comment: This sequence change falls in intron 7 of the APOB gene. It does not directly change the encoded amino acid sequence of the APOB protein. This variant is present in population databases (rs749762235, gnomAD 0.0009%). This variant has not been reported in the literature in individuals affected with APOB-related conditions. ClinVar contains an entry for this variant (Variation ID: 845542). Algorithms developed to predict the effect of sequence changes on RNA splicing suggest that this variant may disrupt the consensus splice site. In summary, the available evidence is currently insufficient to determine the role of this variant in disease. Therefore, it has been classified as a Variant of Uncertain Significance.

PreventionGenetics, part of Exact Sciences
Classification: Uncertain significance for APOB-related condition. Last evaluated: 2023-11-29. Review status: no assertion criteria provided. Collection method: clinical testing. Allele origin: germline. Not counted in ClinVar's aggregate classification.
Comment: The APOB c.819-10T>G variant is predicted to interfere with splicing. This variant is predicted to alter splicing based on available splicing prediction programs (Alamut Visual plus v1.6.1). However, such computer prediction programs are imperfect. To our knowledge, this variant has not been reported in the literature. This variant is reported in 0.00088% of alleles in individuals of European (Non-Finnish) descent in gnomAD. However, the use of computer prediction programs is not equivalent to functional evidence, and therefore the clinical significance of this variant is uncertain.